The following is an entry in ClinVar:

ClinVar aggregate classification (germline): Uncertain significance (1 of 4 stars; one submission).

Conditions:
Duchenne muscular dystrophy (DMD). Also called: MUSCULAR DYSTROPHY, PSEUDOHYPERTROPHIC PROGRESSIVE, DUCHENNE TYPE; Duchenne Muscular Dystrophy (DMD). Identifiers: Orphanet 98896, MedGen C0013264, MONDO:0010679, OMIM 310200.

Allele frequency attached by ClinVar (database versions not stated): TOPMed below 0.00001.

Submission:

Labcorp Genetics (formerly Invitae), Labcorp
Classification: Uncertain significance for Duchenne muscular dystrophy. Last evaluated: 2020-08-14. Review status: criteria provided, single submitter. Criteria: Invitae Variant Classification Sherloc (09022015). Collection method: clinical testing. Allele origin: germline.
Comment: This variant has not been reported in the literature in individuals with DMD-related conditions. Algorithms developed to predict the effect of missense changes on protein structure and function are either unavailable or do not agree on the potential impact of this missense change (SIFT: "Tolerated"; PolyPhen-2: "Possibly Damaging"; Align-GVGD: "Class C0"). This variant is not present in population databases (ExAC no frequency). This sequence change replaces serine with asparagine at codon 443 of the DMD protein (p.Ser443Asn). The serine residue is moderately conserved and there is a small physicochemical difference between serine and asparagine. In summary, the available evidence is currently insufficient to determine the role of this variant in disease. Therefore, it has been classified as a Variant of Uncertain Significance.

NM_004006.3(DMD):c.1328G>A (p.Ser443Asn)

Gene: DMD (dystrophin; minus strand). Cytogenetic location: Xp21.1.
Variant type: single nucleotide variant.
Coding change: c.1328G>A on transcript NM_004006.3 (MANE Select); coding-DNA position 1328, G replaced by A.
Protein change: p.Ser443Asn; replaces serine 443 with asparagine.
Molecular consequence: missense variant.
Genome position (GRCh38, 1-based): chrX:32,644,135, C>T on the plus strand (G>A on the coding strand, the complement: DMD is on the minus strand). VCF-style: chrX-32644135-C-T. GRCh37 (hg19) VCF-style: chrX-32662252-C-T.
Other names: c.1304G>A, p.Ser435Asn (NM_000109.4); c.1316G>A, p.Ser439Asn (NM_004009.3); c.959G>A, p.Ser320Asn (NM_004010.3); short protein forms S320N, S435N, S439N, S443N.
Identifiers: ClinVar variation 1027017 (VCV001027017.9), dbSNP rs2059640455, ClinGen allele CA412660824.